The following is an entry in ClinVar:

ClinVar aggregate classification (germline): Conflicting classifications of pathogenicity. Review status: criteria provided, conflicting classifications (1 of 4 stars). 7 submissions from 7 submitters: Uncertain significance (1); Benign (1); Likely benign (5). Last evaluated 2026-04-01.

Conditions:
Multiple endocrine neoplasia, type 1 (MEN1). Also called: MEA I; MEN I; WERMER SYNDROME; Endocrine adenomatosis multiple; MEN 1. Identifiers: Orphanet 652, MedGen C0025267, MeSH D018761, MONDO:0007540, OMIM 131100.
Hereditary cancer-predisposing syndrome. Also called: Hereditary neoplastic syndrome; Neoplastic Syndromes, Hereditary; Hereditary Cancer Syndrome; Tumor predisposition. Identifiers: Orphanet 140162, MedGen C0027672, MeSH D009386, MONDO:0015356.
MEN1-related disorder. Also called: MEN1-related condition.

Allele frequency attached by ClinVar (database versions not stated): gnomAD exomes 0.00002; ExAC 0.00003; gnomAD 0.00003 and 0.00004; TOPMed 0.00005.
gnomAD v4.1: 23 of 1,596,976 alleles (0.0014%); highest among the groups gnomAD compares: Admixed American, 0.01%; no homozygotes.

Submissions (7):

CeGaT Center for Human Genetics Tuebingen
Classification: Likely benign. Last evaluated: 2026-04-01. Review status: criteria provided, single submitter. Criteria: CeGaT Center For Human Genetics Tuebingen Variant Classification Criteria Version 2. Collection method: clinical testing. Allele origin: germline. Affected: yes. Observed: 1 variant allele.
Comment: MEN1: BP4, BP7

PreventionGenetics, part of Exact Sciences
Classification: Likely benign for MEN1-related condition. Last evaluated: 2026-03-12. Review status: criteria provided, single submitter. Criteria: ACMG Guidelines, 2015. Collection method: clinical testing. Allele origin: germline.
Comment: This variant is classified as likely benign based on ACMG/AMP sequence variant interpretation guidelines (Richards et al. 2015 PMID: 25741868, with internal and published modifications).

Labcorp Genetics (formerly Invitae), Labcorp
Classification: Likely benign for Multiple endocrine neoplasia, type 1. Last evaluated: 2026-01-19. Review status: criteria provided, single submitter. Criteria: Invitae Variant Classification Sherloc (09022015). Collection method: clinical testing. Allele origin: germline.

Myriad Genetics, Inc.
Classification: Benign for Multiple endocrine neoplasia, type 1. Last evaluated: 2024-11-05. Review status: criteria provided, single submitter. Criteria: Myriad Autosomal Dominant, Autosomal Recessive and X-Linked Classification Criteria (2023). Collection method: clinical testing. Allele origin: unknown.
Comment: This variant is considered benign. This variant is a silent/synonymous amino acid change and it is not expected to impact splicing.

Quest Diagnostics Nichols Institute San Juan Capistrano
Classification: Uncertain significance. Last evaluated: 2024-09-17. Review status: criteria provided, single submitter. Criteria: Quest Diagnostics criteria. Collection method: clinical testing. Allele origin: unknown.
Comment: The MEN1 c.1416C>T (p.Gly472=) synonymous variant has not been reported in individuals with MEN1-related conditions in the published literature. The frequency of this variant in the general population, 0.000088 (3/34216 chromosomes (Genome Aggregation Database)), is uninformative in the assessment of its pathogenicity. Analysis of this variant using software algorithms for the prediction of the effect of nucleotide changes on splicing yielded predictions that this variant does not affect MEN1 mRNA splicing. Based on the available information, we are unable to determine the clinical significance of this variant.

All of Us Research Program, National Institutes of Health
Classification: Likely benign for Multiple endocrine neoplasia, type 1. Last evaluated: 2024-02-05. Review status: criteria provided, single submitter. Criteria: ACMG Guidelines, 2015. Collection method: clinical testing. Allele origin: germline. Inheritance: Autosomal dominant inheritance. Observed: 5 variant alleles, 5 heterozygotes.
Comment: This study involves interpretation of variants in research participants for the purpose of population health screening. Participant phenotype was not available at the time of variant classification. Additional details can be found in publication PMID: 35346344, PMCID: PMC8962531

Ambry Genetics
Classification: Likely benign for Hereditary cancer-predisposing syndrome. Last evaluated: 2016-04-15. Review status: criteria provided, single submitter. Criteria: Ambry Variant Classification Scheme 2023. Collection method: clinical testing. Allele origin: germline.

NM_001370259.2(MEN1):c.1416C>T (p.Gly472=)

Gene: MEN1 (menin 1; minus strand). Cytogenetic location: 11q13.1.
Variant type: single nucleotide variant.
Coding change: c.1416C>T on transcript NM_001370259.2 (MANE Select); coding-DNA position 1416, C replaced by T.
Protein change: p.Gly472=; no amino-acid change (glycine 472 retained).
Molecular consequence: synonymous variant.
Genome position (GRCh38, 1-based): chr11:64,804,751, G>A on the plus strand (C>T on the coding strand, the complement: MEN1 is on the minus strand). VCF-style: chr11-64804751-G-A. GRCh37 (hg19) VCF-style: chr11-64572223-G-A.
Other names: c.1431C>T, p.Gly477= (NM_000244.4, NM_130800.3, NM_130801.3 and 3 more transcripts); c.1542C>T, p.Gly514= (NM_001370251.2); c.1416C>T, p.Gly472= (NM_001370260.2, NM_001370261.2, NM_130799.3); c.1311C>T, p.Gly437= (NM_001370262.2, NM_001370263.2); c.1431C>T (NM_000244.3).
Identifiers: ClinVar variation 457297 (VCV000457297.22), dbSNP rs764509990, ClinGen allele CA060641.